The following is an entry in ClinVar:

ClinVar aggregate classification (germline): Uncertain significance (1 of 4 stars; one submission).

Conditions:
Ehlers-Danlos syndrome, classic type, 1 (EDSCL1). Also called: EHLERS-DANLOS SYNDROME, GRAVIS TYPE; EHLERS-DANLOS SYNDROME, SEVERE CLASSIC TYPE; Ehlers-Danlos syndrome, type 1; EDS I; Ehlers-Danlos Syndrome, Classic Type, COL5A1-Related. Identifiers: MedGen C0268335, MONDO:0019567, OMIM 130000.

Submission:

Labcorp Genetics (formerly Invitae), Labcorp
Classification: Uncertain significance for Ehlers-Danlos syndrome, classic type, 1. Last evaluated: 2022-02-27. Review status: criteria provided, single submitter. Criteria: Invitae Variant Classification Sherloc (09022015). Collection method: clinical testing. Allele origin: germline.
Comment: In summary, the available evidence is currently insufficient to determine the role of this variant in disease. Therefore, it has been classified as a Variant of Uncertain Significance. Algorithms developed to predict the effect of missense changes on protein structure and function are either unavailable or do not agree on the potential impact of this missense change (SIFT: "Deleterious"; PolyPhen-2: "Probably Damaging"; Align-GVGD: "Class C0"). This missense change has been observed in individual(s) with clinical features of Ehlers-Danlos syndrome (Invitae). This variant is not present in population databases (gnomAD no frequency). This sequence change replaces leucine, which is neutral and non-polar, with arginine, which is basic and polar, at codon 43 of the COL5A1 protein (p.Leu43Arg).

NM_000093.5(COL5A1):c.128T>G (p.Leu43Arg)

Gene: COL5A1 (collagen type V alpha 1 chain; plus strand). Cytogenetic location: 9q34.3.
Variant type: single nucleotide variant.
Coding change: c.128T>G on transcript NM_000093.5 (MANE Select); coding-DNA position 128, T replaced by G.
Protein change: p.Leu43Arg; replaces leucine 43 with arginine.
Molecular consequence: missense variant.
Genome position (GRCh38, 1-based): chr9:134,690,930, T>G. VCF-style: chr9-134690930-T-G. GRCh37 (hg19) VCF-style: chr9-137582776-T-G.
Other names: c.128T>G, p.Leu43Arg (NM_001278074.1); short protein forms L43R.
Identifiers: ClinVar variation 1345121 (VCV001345121.8), dbSNP rs2132550843, ClinGen allele CA375440327.
Genomic context (GRCh38, chr9:134,690,930, plus strand): 5'-TTCCTCTCCGTGGCTAACTCTGCTCCTCCTCTGTCATTTCAGCTCAGCCAGCAGATCTCC[T>G]GAAGGTTCTAGATTTTCACAACTTGCCTGATGGAATAACAAAGACAACAGGCTTTTGCGC-3'
Protein context (NP_000084.3, residues 33-53): PSRAAQPADL[Leu43Arg]KVLDFHNLPD